The following is an entry in ClinVar:

ClinVar aggregate classification (germline): Benign (1 of 4 stars; one submission).

Conditions:
Leigh syndrome (NULS). Also called: Leigh's necrotizing encephalopathy; Leigh's disease; Leigh Syndrome (mtDNA deletion); Leigh Disease; Subacute necrotizing encephalopathy; Necrotizing encephalopathy infantile subacute of Leigh. Identifiers: Orphanet 506, MedGen C2931891, MONDO:0009723, OMIM 256000.

Submission:

Wong Mito Lab, Molecular and Human Genetics, Baylor College of Medicine
Classification: Benign for Leigh syndrome. Last evaluated: 2019-10-17. Review status: criteria provided, single submitter. Criteria: Modified ACMG Guidelines (Unpublished). Collection method: clinical testing. Allele origin: germline.
Comment: The NC_012920.1:m.9163G>A (YP_003024031.1:p.Val213Ile) variant in MTATP6 gene is interpretated to be a Benign variant based on the modified ACMG guidelines (unpublished). This variant meets the following evidence codes: BS1, BS2

NC_012920.1(MT-ATP6):m.9163G>A

Gene: MT-ATP6 (mitochondrially encoded ATP synthase 6; plus strand).
Variant type: single nucleotide variant.
Genome position: chrM-9163-G-A.
Identifiers: ClinVar variation 693113 (VCV000693113.1), dbSNP rs2298010, ClinGen allele CA337098253.